The following is an entry in ClinVar:

NM_006662.3(SRCAP):c.5883T>G (p.Phe1961Leu)

Gene: SRCAP (Snf2 related CREBBP activator protein; plus strand). Cytogenetic location: 16p11.2.
Variant type: single nucleotide variant.
Coding change: c.5883T>G on transcript NM_006662.3 (MANE Select); coding-DNA position 5883, T replaced by G.
Protein change: p.Phe1961Leu; replaces phenylalanine 1961 with leucine.
Molecular consequence: missense variant.
Genome position (GRCh38, 1-based): chr16:30,729,190, T>G. VCF-style: chr16-30729190-T-G. GRCh37 (hg19) VCF-style: chr16-30740511-T-G.
Other names: short protein forms F1961L.
Identifiers: ClinVar variation 1394307 (VCV001394307.6), dbSNP rs992080285, ClinGen allele CA395621548.

ClinVar aggregate classification (germline): Uncertain significance (1 of 4 stars; one submission).

Submission:

Labcorp Genetics (formerly Invitae), Labcorp
Classification: Uncertain significance. Last evaluated: 2022-01-04. Review status: criteria provided, single submitter. Criteria: Invitae Variant Classification Sherloc (09022015). Collection method: clinical testing. Allele origin: germline.
Comment: In summary, the available evidence is currently insufficient to determine the role of this variant in disease. Therefore, it has been classified as a Variant of Uncertain Significance. Algorithms developed to predict the effect of missense changes on protein structure and function output the following: SIFT: "Deleterious"; PolyPhen-2: "Benign"; Align-GVGD: "Class C15". The leucine amino acid residue is found in multiple mammalian species, which suggests that this missense change does not adversely affect protein function. This variant has not been reported in the literature in individuals affected with SRCAP-related conditions. This variant is not present in population databases (gnomAD no frequency). This sequence change replaces phenylalanine, which is neutral and non-polar, with leucine, which is neutral and non-polar, at codon 1961 of the SRCAP protein (p.Phe1961Leu).